The following is an entry in ClinVar:

NM_001145252.3(CFP):c.488G>T (p.Cys163Phe)

Gene: CFP (complement factor properdin; minus strand). Cytogenetic location: Xp11.23.
Variant type: single nucleotide variant.
Coding change: c.488G>T on transcript NM_001145252.3 (MANE Select); coding-DNA position 488, G replaced by T.
Protein change: p.Cys163Phe; replaces cysteine 163 with phenylalanine.
Molecular consequence: missense variant.
Genome position (GRCh38, 1-based): chrX:47,627,557, C>A on the plus strand (G>T on the coding strand, the complement: CFP is on the minus strand). VCF-style: chrX-47627557-C-A. GRCh37 (hg19) VCF-style: chrX-47486956-C-A.
Other names: c.488G>T, p.Cys163Phe (NM_002621.2); short protein forms C163F.
Identifiers: ClinVar variation 3619678 (VCV003619678.2).

ClinVar aggregate classification (germline): Uncertain significance (1 of 4 stars; one submission).

gnomAD v4.1: 3 of 1,208,254 alleles (0.00025%); highest among the groups gnomAD compares: Non-Finnish European, 0.00034%; no homozygotes.

Submission:

Labcorp Genetics (formerly Invitae), Labcorp
Classification: Uncertain significance. Last evaluated: 2024-06-02. Review status: criteria provided, single submitter. Criteria: Invitae Variant Classification Sherloc (09022015). Collection method: clinical testing. Allele origin: germline.
Comment: This sequence change replaces cysteine, which is neutral and slightly polar, with phenylalanine, which is neutral and non-polar, at codon 163 of the CFP protein (p.Cys163Phe). This variant is not present in population databases (gnomAD no frequency). This variant has not been reported in the literature in individuals affected with CFP-related conditions. Advanced modeling of protein sequence and biophysical properties (such as structural, functional, and spatial information, amino acid conservation, physicochemical variation, residue mobility, and thermodynamic stability) performed at Invitae indicates that this missense variant is expected to disrupt CFP protein function with a positive predictive value of 80%. In summary, the available evidence is currently insufficient to determine the role of this variant in disease. Therefore, it has been classified as a Variant of Uncertain Significance.